The following is an entry in ClinVar:

ClinVar aggregate classification (germline): Uncertain significance. Review status: criteria provided, multiple submitters, no conflicts (2 of 4 stars). 2 submissions from 2 submitters: Uncertain significance (2). Last evaluated 2024-04-17.

Conditions:
Neuroblastoma, susceptibility to, 3. Also called: ALK-Related Neuroblastic Tumor Susceptibility. Identifiers: Orphanet 635, MedGen C2751681, MONDO:0013083, OMIM 613014.
Hereditary cancer-predisposing syndrome. Also called: Hereditary neoplastic syndrome; Hereditary Cancer Syndrome; Tumor predisposition; Neoplastic Syndromes, Hereditary. Identifiers: Orphanet 140162, MedGen C0027672, MeSH D009386, MONDO:0015356.

gnomAD v4.1: 1 of 1,614,126 alleles (0.000062%); highest among the groups gnomAD compares: Middle Eastern, 0.017%; no homozygotes.

Submissions (2):

Labcorp Genetics (formerly Invitae), Labcorp
Classification: Uncertain significance for Neuroblastoma, susceptibility to, 3. Last evaluated: 2024-04-17. Review status: criteria provided, single submitter. Criteria: Invitae Variant Classification Sherloc (09022015). Collection method: clinical testing. Allele origin: germline.
Comment: This sequence change replaces tryptophan, which is neutral and slightly polar, with leucine, which is neutral and non-polar, at codon 288 of the ALK protein (p.Trp288Leu). This variant is not present in population databases (gnomAD no frequency). This variant has not been reported in the literature in individuals affected with ALK-related conditions. ClinVar contains an entry for this variant (Variation ID: 968678). An algorithm developed to predict the effect of missense changes on protein structure and function (PolyPhen-2) suggests that this variant is likely to be tolerated. In summary, the available evidence is currently insufficient to determine the role of this variant in disease. Therefore, it has been classified as a Variant of Uncertain Significance.

Ambry Genetics
Classification: Uncertain significance for Hereditary cancer-predisposing syndrome. Last evaluated: 2023-12-11. Review status: criteria provided, single submitter. Criteria: Ambry Variant Classification Scheme 2023. Collection method: clinical testing. Allele origin: germline.
Comment: The p.W288L variant (also known as c.863G>T), located in coding exon 3 of the ALK gene, results from a G to T substitution at nucleotide position 863. The tryptophan at codon 288 is replaced by leucine, an amino acid with similar properties. This amino acid position is conserved. In addition, this alteration is predicted to be tolerated by in silico analysis. Since supporting evidence is limited at this time, the clinical significance of this alteration remains unclear.

NM_004304.5(ALK):c.863G>T (p.Trp288Leu)

Gene: ALK (ALK receptor tyrosine kinase; minus strand). Cytogenetic location: 2p23.2.
Variant type: single nucleotide variant.
Coding change: c.863G>T on transcript NM_004304.5 (MANE Select); coding-DNA position 863, G replaced by T.
Protein change: p.Trp288Leu; replaces tryptophan 288 with leucine.
Molecular consequence: missense variant.
Genome position (GRCh38, 1-based): chr2:29,694,939, C>A on the plus strand (G>T on the coding strand, the complement: ALK is on the minus strand). VCF-style: chr2-29694939-C-A. GRCh37 (hg19) VCF-style: chr2-29917805-C-A.
Other names: short protein forms W288L.
Identifiers: ClinVar variation 968678 (VCV000968678.10), dbSNP rs1678509815, ClinGen allele CA346586981.